The following is an entry in ClinVar:

NM_181336.4(LEMD2):c.418G>T (p.Glu140Ter)

Gene: LEMD2 (LEM domain nuclear envelope protein 2; minus strand). Cytogenetic location: 6p21.31.
Variant type: single nucleotide variant.
Coding change: c.418G>T on transcript NM_181336.4 (MANE Select); coding-DNA position 418, G replaced by T.
Protein change: p.Glu140Ter; replaces glutamic acid 140 with a stop codon.
Molecular consequence: nonsense. On other transcripts: intron variant (2).
Genome position (GRCh38, 1-based): chr6:33,788,699, C>A on the plus strand (G>T on the coding strand, the complement: LEMD2 is on the minus strand). VCF-style: chr6-33788699-C-A. GRCh37 (hg19) VCF-style: chr6-33756476-C-A.
Other names: c.342+76G>T (NM_001348710.2); c.-171+76G>T (NM_001348709.2); short protein forms E140*.
Identifiers: ClinVar variation 4874430 (VCV004874430.2).

ClinVar aggregate classification (germline): Uncertain significance (1 of 4 stars; one submission).

gnomAD v4.1: 1 of 1,373,808 alleles (0.000073%); highest among the groups gnomAD compares: South Asian, 0.0016%; no homozygotes.

Submission:

CeGaT Center for Human Genetics Tuebingen
Classification: Uncertain significance. Last evaluated: 2026-05-01. Review status: criteria provided, single submitter. Criteria: CeGaT Center For Human Genetics Tuebingen Variant Classification Criteria Version 2. Collection method: clinical testing. Allele origin: germline. Affected: yes. Observed: 1 variant allele.
Comment: LEMD2: PM2, PVS1:Moderate, BS2